The following is an entry in ClinVar:

NM_016247.4(IMPG2):c.2739AGA[1] (p.Glu914del)

Gene: IMPG2 (interphotoreceptor matrix proteoglycan 2; minus strand). Cytogenetic location: 3q12.3.
Variant type: Microsatellite.
Coding change: c.2739AGA[1] on transcript NM_016247.4 (MANE Select); one copy of the 3-base unit AGA starting at c.2739; the reference has two copies in a row; one copy, 3 bases deleted.
Protein change: p.Glu914del; deletes glutamic acid 914.
Molecular consequence: inframe deletion.
Genome position (GRCh38, 1-based): chr3:101,243,587-101,243,589, TCT deleted on the plus strand (AGA on the coding strand, the reverse complement: IMPG2 is on the minus strand); deleting any 3 consecutive bases within chr3:101,243,587-101,243,592 gives the same sequence; the position shown is the placement nearest the transcript's 3' end. VCF-style (leftmost placement, unchanged base first): chr3-101243586-ATCT-A. GRCh37 (hg19) VCF-style: chr3-100962430-ATCT-A.
Other names: short protein forms E914del.
Identifiers: ClinVar variation 1997992 (VCV001997992.1), dbSNP rs2508942085, ClinGen allele CA2577839095.

ClinVar aggregate classification (germline): Uncertain significance (1 of 4 stars; one submission).

Submission:

Labcorp Genetics (formerly Invitae), Labcorp
Classification: Uncertain significance. Last evaluated: 2022-05-22. Review status: criteria provided, single submitter. Criteria: Invitae Variant Classification Sherloc (09022015). Collection method: clinical testing. Allele origin: germline.
Comment: This variant, c.2742_2744del, results in the deletion of 1 amino acid(s) of the IMPG2 protein (p.Glu914del), but otherwise preserves the integrity of the reading frame. This variant is not present in population databases (gnomAD no frequency). This variant has not been reported in the literature in individuals affected with IMPG2-related conditions. Experimental studies and prediction algorithms are not available or were not evaluated, and the functional significance of this variant is currently unknown. In summary, the available evidence is currently insufficient to determine the role of this variant in disease. Therefore, it has been classified as a Variant of Uncertain Significance.